The following is an entry in ClinVar:

ClinVar aggregate classification (germline): Uncertain significance. Review status: criteria provided, multiple submitters, no conflicts (2 of 4 stars). 2 submissions from 2 submitters: Uncertain significance (2). Last evaluated 2024-11-11.

Conditions:
Inborn genetic diseases. Identifiers: MedGen C0950123, MeSH D030342.
Holoprosencephaly 3 (HPE3). Identifiers: Orphanet 2162, MedGen C1840529, MONDO:0007733, OMIM 142945.

Allele frequency attached by ClinVar (database versions not stated): ExAC 0.00004; gnomAD exomes 0.00004.
gnomAD v4.1: 40 of 1,565,752 alleles (0.0026%); highest among the groups gnomAD compares: Non-Finnish European, 0.0029%; no homozygotes.

Submissions (2):

Labcorp Genetics (formerly Invitae), Labcorp
Classification: Uncertain significance for Holoprosencephaly 3. Last evaluated: 2024-11-11. Review status: criteria provided, single submitter. Criteria: Invitae Variant Classification Sherloc (09022015). Collection method: clinical testing. Allele origin: germline.
Comment: This sequence change replaces glycine, which is neutral and non-polar, with arginine, which is basic and polar, at codon 427 of the SHH protein (p.Gly427Arg). This variant is present in population databases (rs763665589, gnomAD 0.008%). This missense change has been observed in individual(s) with isolated pituitary hypoplasia (PMID: 23476075). ClinVar contains an entry for this variant (Variation ID: 1410816). Invitae Evidence Modeling of protein sequence and biophysical properties (such as structural, functional, and spatial information, amino acid conservation, physicochemical variation, residue mobility, and thermodynamic stability) indicates that this missense variant is not expected to disrupt SHH protein function with a negative predictive value of 80%. In summary, the available evidence is currently insufficient to determine the role of this variant in disease. Therefore, it has been classified as a Variant of Uncertain Significance.

Ambry Genetics
Classification: Uncertain significance for Inborn genetic diseases. Last evaluated: 2022-05-10. Review status: criteria provided, single submitter. Criteria: Ambry Variant Classification Scheme 2023. Collection method: clinical testing. Allele origin: germline.

Literature cited by the submitters: PubMed 23476075 (cited by Labcorp Genetics (formerly Invitae), Labcorp and Ambry Genetics).

NM_000193.4(SHH):c.1279G>A (p.Gly427Arg)

Gene: SHH (sonic hedgehog signaling molecule; minus strand). Cytogenetic location: 7q36.3.
Variant type: single nucleotide variant.
Coding change: c.1279G>A on transcript NM_000193.4 (MANE Select); coding-DNA position 1279, G replaced by A.
Protein change: p.Gly427Arg; replaces glycine 427 with arginine.
Molecular consequence: missense variant. On other transcripts: intron variant (1).
Genome position (GRCh38, 1-based): chr7:155,803,010, C>T on the plus strand (G>A on the coding strand, the complement: SHH is on the minus strand). VCF-style: chr7-155803010-C-T. GRCh37 (hg19) VCF-style: chr7-155595704-C-T.
Other names: c.302-2765G>A (NM_001310462.2); c.1279G>A (NM_000193.2); short protein forms G427R.
Identifiers: ClinVar variation 1410816 (VCV001410816.7), dbSNP rs763665589, ClinGen allele CA4586890.